The following is an entry in ClinVar:

NM_005802.5(TOPORS):c.2707C>T (p.Arg903Cys)

Gene: TOPORS (TOP1 binding arginine/serine rich protein, E3 ubiquitin ligase; minus strand). Cytogenetic location: 9p21.1.
Variant type: single nucleotide variant.
Coding change: c.2707C>T on transcript NM_005802.5 (MANE Select); coding-DNA position 2707, C replaced by T.
Protein change: p.Arg903Cys; replaces arginine 903 with cysteine.
Molecular consequence: missense variant.
Genome position (GRCh38, 1-based): chr9:32,541,818, G>A on the plus strand (C>T on the coding strand, the complement: TOPORS is on the minus strand). VCF-style: chr9-32541818-G-A. GRCh37 (hg19) VCF-style: chr9-32541816-G-A.
Other names: c.2512C>T, p.Arg838Cys (NM_001195622.2); short protein forms R838C, R903C.
Identifiers: ClinVar variation 2044728 (VCV002044728.5), dbSNP rs199926017, ClinGen allele CA5020318.
Genomic context (GRCh38, chr9:32,541,818, plus strand): 5'-CCTCCTTTACTTCAGAATCCTTATCACTGTCACTGTCAATGGTAATTACAACTGGGGAAC[G>A]TGAAGCATTATCTCCATGGTGTTTCTTATGCTTCTTCTTATGTTTCTTCTTTTTCTTTTT-3'
Protein context (NP_005793.2, residues 893-913): HKKHHGDNAS[Arg903Cys]SPVVITIDSD

ClinVar aggregate classification (germline): Uncertain significance. Review status: criteria provided, single submitter (1 of 4 stars). 2 submissions from 2 submitters: Uncertain significance (1). 1 of the submissions does not count toward it. Last evaluated 2022-04-22.

Conditions:
Optic atrophy. Identifiers: MedGen C0029124, MONDO:0003608, HP:0000648.

Allele frequency attached by ClinVar (database versions not stated): ExAC 0.00003; 1000 Genomes Project 30x 0.00031; 1000 Genomes Project 0.00040.

Submissions (2):

Labcorp Genetics (formerly Invitae), Labcorp
Classification: Uncertain significance. Last evaluated: 2022-04-22. Review status: criteria provided, single submitter. Criteria: Invitae Variant Classification Sherloc (09022015). Collection method: clinical testing. Allele origin: germline.
Comment: In summary, the available evidence is currently insufficient to determine the role of this variant in disease. Therefore, it has been classified as a Variant of Uncertain Significance. Algorithms developed to predict the effect of missense changes on protein structure and function are either unavailable or do not agree on the potential impact of this missense change (SIFT: "Deleterious"; PolyPhen-2: "Not Available"; Align-GVGD: "Class C0"). This variant has not been reported in the literature in individuals affected with TOPORS-related conditions. This variant is present in population databases (rs199926017, gnomAD 0.01%). This sequence change replaces arginine, which is basic and polar, with cysteine, which is neutral and slightly polar, at codon 903 of the TOPORS protein (p.Arg903Cys).

Institute of Human Genetics, Univ. Regensburg, Univ. Regensburg
Classification: Uncertain significance for Optic atrophy. Last evaluated: 2023-01-01. Review status: no assertion criteria provided. Criteria: ACMG Guidelines, 2015. Collection method: clinical testing. Allele origin: germline. Affected: yes. Not counted in ClinVar's aggregate classification.